The following is an entry in ClinVar:

NM_001105206.3(LAMA4):c.850C>T (p.Leu284=)

Gene: LAMA4 (laminin subunit alpha 4; minus strand). Cytogenetic location: 6q21.
Variant type: single nucleotide variant.
Coding change: c.850C>T on transcript NM_001105206.3 (MANE Select); coding-DNA position 850, C replaced by T.
Protein change: p.Leu284=; no amino-acid change (leucine 284 retained).
Molecular consequence: synonymous variant.
Genome position (GRCh38, 1-based): chr6:112,187,566, G>A on the plus strand (C>T on the coding strand, the complement: LAMA4 is on the minus strand). VCF-style: chr6-112187566-G-A. GRCh37 (hg19) VCF-style: chr6-112508768-G-A.
Other names: c.827_829delCACinsACT (NM_002290.3); c.829C>T, p.Leu277= (NM_001105207.3, NM_002290.5).
Identifiers: ClinVar variation 3222062 (VCV003222062.1), dbSNP rs2547141189, ClinGen allele CA451596127.

ClinVar aggregate classification (germline): Uncertain significance (1 of 4 stars; one submission).

Conditions:
Cardiovascular phenotype. Identifiers: MedGen CN230736.

Submission:

Ambry Genetics
Classification: Uncertain significance for Cardiovascular phenotype. Last evaluated: 2024-01-29. Review status: criteria provided, single submitter. Criteria: Ambry Variant Classification Scheme 2023. Collection method: clinical testing. Allele origin: germline.
Comment: The c.827_829delCACinsACT variant (also known as p.A276D), located in coding exon 7 of the LAMA4 gene, results from an in-frame deletion of CAC and insertion of ACT at nucleotide positions 827 to 829. This results in the substitution of the alanine residue for an aspartic acid residue at codon 276, an amino acid with dissimilar properties. This amino acid position is highly conserved in available vertebrate species. In addition, this alteration is predicted to be neutral by in silico analysis (Choi Y et al. PLoS ONE. 2012; 7(10):e46688). The evidence for this gene-disease relationship is limited; therefore, the clinical significance of this alteration is unclear.